The following is an entry in ClinVar:

NM_000444.6(PHEX):c.1675_1676del (p.Phe559fs)

Genes: PHEX (phosphate regulating endopeptidase X-linked; plus strand), PTCHD1-AS (PTCHD1 and PHEX antisense RNA; minus strand). Cytogenetic location: Xp22.11.
Variant type: Deletion.
Coding change: c.1675_1676del on transcript NM_000444.6 (MANE Select); coding-DNA positions 1675 to 1676, 2 bases deleted (TT; older notation c.1675_1676delTT).
Protein change: p.Phe559fs; shifts the reading frame from phenylalanine 559.
Molecular consequence: frameshift variant.
Genome position (GRCh38, 1-based): chrX:22,212,933-22,212,934, TT deleted; deleting any 2 consecutive bases within chrX:22,212,932-22,212,934 gives the same sequence; the c. name uses the placement nearest the transcript's 3' end. VCF-style (leftmost placement, unchanged base first): chrX-22212931-CTT-C. GRCh37 (hg19) VCF-style: chrX-22231048-CTT-C.
Other names: c.1675_1676del, p.Phe559fs (NM_001282754.2); short protein forms F559fs.
Identifiers: ClinVar variation 2809767 (VCV002809767.3), dbSNP rs2518652924, ClinGen allele CA2739268114.

ClinVar aggregate classification (germline): Pathogenic (1 of 4 stars; one submission).

Submission:

Labcorp Genetics (formerly Invitae), Labcorp
Classification: Pathogenic. Last evaluated: 2022-10-26. Review status: criteria provided, single submitter. Criteria: Invitae Variant Classification Sherloc (09022015). Collection method: clinical testing. Allele origin: germline.
Comment: For these reasons, this variant has been classified as Pathogenic. This variant has not been reported in the literature in individuals affected with PHEX-related conditions. This variant is not present in population databases (gnomAD no frequency). This sequence change creates a premature translational stop signal (p.Phe559Leufs*22) in the PHEX gene. It is expected to result in an absent or disrupted protein product. Loss-of-function variants in PHEX are known to be pathogenic (PMID: 9097956, 9106524, 19219621).

Literature cited by the submitters: PubMed 9097956; PubMed 9106524; PubMed 19219621.